The following is an entry in ClinVar:

NM_016507.4(CDK12):c.3695G>A (p.Ser1232Asn)

Gene: CDK12 (cyclin dependent kinase 12; plus strand). Cytogenetic location: 17q12.
Variant type: single nucleotide variant.
Coding change: c.3695G>A on transcript NM_016507.4 (MANE Select); coding-DNA position 3695, G replaced by A.
Protein change: p.Ser1232Asn; replaces serine 1232 with asparagine.
Molecular consequence: missense variant.
Genome position (GRCh38, 1-based): chr17:39,526,251, G>A. VCF-style: chr17-39526251-G-A. GRCh37 (hg19) VCF-style: chr17-37682504-G-A.
Other names: c.3695G>A, p.Ser1232Asn (NM_015083.4); short protein forms S1232N.
Identifiers: ClinVar variation 3830714 (VCV003830714.1).

ClinVar aggregate classification (germline): Uncertain significance (1 of 4 stars; one submission).

gnomAD v4.1: 19 of 1,611,332 alleles (0.0012%); highest among the groups gnomAD compares: Non-Finnish European, 0.0016%; no homozygotes.

Submission:

Ambry Genetics
Classification: Uncertain significance. Last evaluated: 2025-02-26. Review status: criteria provided, single submitter. Criteria: Ambry Variant Classification Scheme 2023. Collection method: clinical testing. Allele origin: germline.
Comment: The p.S1232N variant (also known as c.3695G>A), located in coding exon 13 of the CDK12 gene, results from a G to A substitution at nucleotide position 3695. The serine at codon 1232 is replaced by asparagine, an amino acid with highly similar properties. This amino acid position is conserved. In addition, this alteration is predicted to be tolerated by in silico analysis. Based on the available evidence, the clinical significance of this variant remains unclear.